The following is an entry in ClinVar:

ClinVar aggregate classification (germline): Uncertain significance (1 of 4 stars; one submission).

Conditions:
Tuberous sclerosis 2 (TSC2). Identifiers: Orphanet 805, MedGen C1860707, MONDO:0013199, OMIM 613254.

gnomAD v4.1: 1 of 1,614,160 alleles (0.000062%); no homozygotes.

Submission:

Labcorp Genetics (formerly Invitae), Labcorp
Classification: Uncertain significance for Tuberous sclerosis 2. Last evaluated: 2025-04-30. Review status: criteria provided, single submitter. Criteria: Invitae Variant Classification Sherloc (09022015). Collection method: clinical testing. Allele origin: germline.
Comment: This sequence change falls in intron 4 of the TSC2 gene. It does not directly change the encoded amino acid sequence of the TSC2 protein. It affects a nucleotide within the consensus splice site. This variant is present in population databases (rs770515822, gnomAD 0.01%). This variant has not been reported in the literature in individuals affected with TSC2-related conditions. Variants that disrupt the consensus splice site are a relatively common cause of aberrant splicing (PMID: 17576681, 9536098). Algorithms developed to predict the effect of sequence changes on RNA splicing suggest that this variant may disrupt the consensus splice site. In summary, the available evidence is currently insufficient to determine the role of this variant in disease. Therefore, it has been classified as a Variant of Uncertain Significance.

Literature cited by the submitters: PubMed 17576681; PubMed 9536098.

NM_000548.5(TSC2):c.337-3T>A

Gene: TSC2 (TSC complex subunit 2; plus strand). Cytogenetic location: 16p13.3.
Variant type: single nucleotide variant.
Coding change: c.337-3T>A on transcript NM_000548.5 (MANE Select); 3 bases into the intron before coding-DNA position 337, T replaced by A.
Molecular consequence: intron variant.
Genome position (GRCh38, 1-based): chr16:2,054,293, T>A. VCF-style: chr16-2054293-T-A. GRCh37 (hg19) VCF-style: chr16-2104294-T-A.
Other names: c.190-3T>A (NM_001406679.1, NM_001406675.1, NM_001406676.1 and 1 more transcripts); c.-1-1903T>A (NM_001406686.1, NM_001406682.1, NM_001406684.1 and 3 more transcripts); c.370-3T>A (NM_001318832.2); c.-1311-3T>A (NM_001406693.1); c.427-3T>A (NM_001406667.1, NM_001406668.1); c.-480-3T>A (NM_001406680.1, NM_001406683.1, NM_001406687.1); c.-1095-3T>A (NM_001406689.1, NM_001406690.1, NM_001406692.1 and 2 more transcripts); c.-1271-3T>A (NM_001406698.1); and 6 more.
Identifiers: ClinVar variation 4718645 (VCV004718645.1).